The following is an entry in ClinVar:

NM_001035.3(RYR2):c.4161-3C>T

Gene: RYR2 (ryanodine receptor 2; plus strand). Cytogenetic location: 1q43.
Variant type: single nucleotide variant.
Coding change: c.4161-3C>T on transcript NM_001035.3 (MANE Select); 3 bases into the intron before coding-DNA position 4161, C replaced by T.
Molecular consequence: intron variant.
Genome position (GRCh38, 1-based): chr1:237,591,736, C>T. VCF-style: chr1-237591736-C-T. GRCh37 (hg19) VCF-style: chr1-237755036-C-T.
Identifiers: ClinVar variation 3692875 (VCV003692875.2).

ClinVar aggregate classification (germline): Uncertain significance (1 of 4 stars; one submission).

Conditions:
Catecholaminergic polymorphic ventricular tachycardia 1. Also called: VENTRICULAR TACHYCARDIA, STRESS-INDUCED POLYMORPHIC 1; VENTRICULAR TACHYCARDIA, CATECHOLAMINERGIC POLYMORPHIC, 1, WITH OR WITHOUT ATRIAL DYSFUNCTION AND/OR DILATED CARDIOMYOPATHY; RYR2-Related Catecholaminergic Polymorphic Ventricular Tachycardia. Identifiers: Orphanet 3286, MedGen C1631597, MONDO:0011484, OMIM 604772.

Submission:

Labcorp Genetics (formerly Invitae), Labcorp
Classification: Uncertain significance for Catecholaminergic polymorphic ventricular tachycardia 1. Last evaluated: 2024-07-01. Review status: criteria provided, single submitter. Criteria: Invitae Variant Classification Sherloc (09022015). Collection method: clinical testing. Allele origin: germline.
Comment: This sequence change falls in intron 31 of the RYR2 gene. It does not directly change the encoded amino acid sequence of the RYR2 protein. It affects a nucleotide within the consensus splice site. This variant is not present in population databases (gnomAD no frequency). This variant has not been reported in the literature in individuals affected with RYR2-related conditions. Variants that disrupt the consensus splice site are a relatively common cause of aberrant splicing (PMID: 17576681, 9536098). Algorithms developed to predict the effect of sequence changes on RNA splicing suggest that this variant is not likely to affect RNA splicing. In summary, the available evidence is currently insufficient to determine the role of this variant in disease. Therefore, it has been classified as a Variant of Uncertain Significance.

Literature cited by the submitters: PubMed 17576681; PubMed 9536098.